The following is an entry in ClinVar:

NM_001792.5(CDH2):c.391T>C (p.Ser131Pro)

Gene: CDH2 (cadherin 2; minus strand). Cytogenetic location: 18q12.1.
Variant type: single nucleotide variant.
Coding change: c.391T>C on transcript NM_001792.5 (MANE Select); coding-DNA position 391, T replaced by C.
Protein change: p.Ser131Pro; replaces serine 131 with proline.
Molecular consequence: missense variant.
Genome position (GRCh38, 1-based): chr18:28,013,691, A>G on the plus strand (T>C on the coding strand, the complement: CDH2 is on the minus strand). VCF-style: chr18-28013691-A-G. GRCh37 (hg19) VCF-style: chr18-25593655-A-G.
Other names: c.391T>C (NM_001792.3); c.298T>C, p.Ser100Pro (NM_001308176.2); short protein forms S100P, S131P.
Identifiers: ClinVar variation 1421422 (VCV001421422.7), dbSNP rs183606230, ClinGen allele CA8923709.
Genomic context (GRCh38, chr18:28,013,691, plus strand): 5'-CTGTATAAAGCTGATTTTTAACCAGCCCTAAAGCCATATTCGGATACTATACCTTCACTG[A>G]CTCCTCAGTTAAGGTTGGCTTCAGGCTCAATTTTACTGCCACTTGCCACTTTTCCTGGGT-3'
Protein context (NP_001783.2, residues 121-141): LSLKPTLTEE[Ser131Pro]VKESAEVEEI

ClinVar aggregate classification (germline): Uncertain significance. Review status: criteria provided, multiple submitters, no conflicts (2 of 4 stars). 2 submissions from 2 submitters: Uncertain significance (2). Last evaluated 2025-10-10.

Conditions:
Inborn genetic diseases. Identifiers: MedGen C0950123, MeSH D030342.

Allele frequency attached by ClinVar (database versions not stated): gnomAD exomes below 0.00001 and 0.00001; ExAC 0.00001; TOPMed 0.00001; gnomAD 0.00002 and 0.00003; 1000 Genomes Project 30x 0.00016; 1000 Genomes Project 0.00020.
gnomAD v4.1: 18 of 1,611,800 alleles (0.0011%); highest among the groups gnomAD compares: Middle Eastern, 0.017%; 1 homozygote.

Submissions (2):

Labcorp Genetics (formerly Invitae), Labcorp
Classification: Uncertain significance. Last evaluated: 2025-10-10. Review status: criteria provided, single submitter. Criteria: Invitae Variant Classification Sherloc (09022015). Collection method: clinical testing. Allele origin: germline.
Comment: This sequence change replaces serine, which is neutral and polar, with proline, which is neutral and non-polar, at codon 131 of the CDH2 protein (p.Ser131Pro). This variant is present in population databases (rs183606230, gnomAD 0.007%). This variant has not been reported in the literature in individuals affected with CDH2-related conditions. ClinVar contains an entry for this variant (Variation ID: 1421422). An algorithm developed to predict the effect of missense changes on protein structure and function outputs the following: PolyPhen-2: "Benign". The proline amino acid residue is found in multiple mammalian species, which suggests that this missense change does not adversely affect protein function. In summary, the available evidence is currently insufficient to determine the role of this variant in disease. Therefore, it has been classified as a Variant of Uncertain Significance.

Ambry Genetics
Classification: Uncertain significance for Inborn genetic diseases. Last evaluated: 2023-06-23. Review status: criteria provided, single submitter. Criteria: Ambry Variant Classification Scheme 2023. Collection method: clinical testing. Allele origin: germline.
Comment: The p.S131P variant (also known as c.391T>C), located in coding exon 3 of the CDH2 gene, results from a T to C substitution at nucleotide position 391. The serine at codon 131 is replaced by proline, an amino acid with similar properties. This amino acid position is conserved. In addition, this alteration is predicted to be tolerated by in silico analysis. Since supporting evidence is limited at this time, the clinical significance of this alteration remains unclear.